The following is an entry in ClinVar:

ClinVar aggregate classification (germline): Conflicting classifications of pathogenicity. Review status: criteria provided, conflicting classifications (1 of 4 stars). 6 submissions from 6 submitters: Uncertain significance (5); Likely benign (1). Last evaluated 2026-03-13.

Conditions:
PCNT-related disorder. Also called: PCNT-related condition.
Inborn genetic diseases. Identifiers: MedGen C0950123, MeSH D030342.
Microcephalic osteodysplastic primordial dwarfism type II (MOPD2). Also called: MOPD II; OSTEODYSPLASTIC PRIMORDIAL DWARFISM, TYPE II; Microcephalic osteodysplastic primordial dwarfism with tooth abnormalities. Identifiers: Orphanet 2637, MedGen C0432246, MONDO:0008872, OMIM 210720.

Allele frequency attached by ClinVar (database versions not stated): gnomAD 0.00002; gnomAD exomes 0.00004 and 0.00008; ExAC 0.00005; TOPMed 0.00008.
gnomAD v4.1: 27 of 1,614,008 alleles (0.0017%); highest among the groups gnomAD compares: Admixed American, 0.045%; no homozygotes.

Submissions (6):

PreventionGenetics, part of Exact Sciences
Classification: Uncertain significance for PCNT-related condition. Last evaluated: 2026-03-13. Review status: criteria provided, single submitter. Criteria: ACMG Guidelines, 2015. Collection method: clinical testing. Allele origin: germline.
Comment: The PCNT c.7045G>C variant is predicted to result in the amino acid substitution p.Ala2349Pro. To our knowledge, this variant has not been reported in the literature. This variant is reported in 0.061% of alleles in individuals of Latino descent in gnomAD, which may be too common to be an unreported cause of disease. Although we suspect that this variant may be benign, at this time its clinical significance is uncertain due to the absence of conclusive functional and genetic evidence.

Labcorp Genetics (formerly Invitae), Labcorp
Classification: Uncertain significance. Last evaluated: 2025-12-01. Review status: criteria provided, single submitter. Criteria: Invitae Variant Classification Sherloc (09022015). Collection method: clinical testing. Allele origin: germline.
Comment: This sequence change replaces alanine, which is neutral and non-polar, with proline, which is neutral and non-polar, at codon 2349 of the PCNT protein (p.Ala2349Pro). This variant is present in population databases (rs772025323, gnomAD 0.07%). This variant has not been reported in the literature in individuals affected with PCNT-related conditions. ClinVar contains an entry for this variant (Variation ID: 1338717). An algorithm developed to predict the effect of missense changes on protein structure and function (PolyPhen-2) suggests that this variant is likely to be disruptive. In summary, the available evidence is currently insufficient to determine the role of this variant in disease. Therefore, it has been classified as a Variant of Uncertain Significance.

Ambry Genetics
Classification: Uncertain significance for Inborn genetic diseases. Last evaluated: 2024-11-20. Review status: criteria provided, single submitter. Criteria: Ambry Variant Classification Scheme 2023. Collection method: clinical testing. Allele origin: germline.

ARUP Laboratories, Molecular Genetics and Genomics, ARUP Laboratories
Classification: Likely benign for Microcephalic osteodysplastic primordial dwarfism type II. Last evaluated: 2023-03-22. Review status: criteria provided, single submitter. Criteria: ARUP Molecular Germline Variant Investigation Process 2024. Collection method: clinical testing. Allele origin: germline.

Fulgent Genetics
Classification: Uncertain significance for Microcephalic osteodysplastic primordial dwarfism type II. Last evaluated: 2021-12-22. Review status: criteria provided, single submitter. Criteria: ACMG Guidelines, 2015. Collection method: clinical testing. Allele origin: unknown.

Genetic Services Laboratory, University of Chicago
Classification: Uncertain significance. Last evaluated: 2020-10-27. Review status: criteria provided, single submitter. Criteria: ACMG Guidelines, 2015. Collection method: clinical testing. Allele origin: germline. Affected: no.

NM_006031.6(PCNT):c.7045G>C (p.Ala2349Pro)

Gene: PCNT (pericentrin; plus strand). Cytogenetic location: 21q22.3.
Variant type: single nucleotide variant.
Coding change: c.7045G>C on transcript NM_006031.6 (MANE Select); coding-DNA position 7045, G replaced by C.
Protein change: p.Ala2349Pro; replaces alanine 2349 with proline.
Molecular consequence: missense variant.
Genome position (GRCh38, 1-based): chr21:46,421,990, G>C. VCF-style: chr21-46421990-G-C. GRCh37 (hg19) VCF-style: chr21-47841904-G-C.
Other names: c.6691G>C, p.Ala2231Pro (NM_001315529.2); short protein forms A2231P, A2349P.
Identifiers: ClinVar variation 1338717 (VCV001338717.16), dbSNP rs772025323, ClinGen allele CA10080504.